The following is an entry in ClinVar:

ClinVar aggregate classification (germline): Uncertain significance (1 of 4 stars; one submission).

Submission:

Labcorp Genetics (formerly Invitae), Labcorp
Classification: Uncertain significance. Last evaluated: 2024-11-03. Review status: criteria provided, single submitter. Criteria: Invitae Variant Classification Sherloc (09022015). Collection method: clinical testing. Allele origin: germline.
Comment: This sequence change replaces threonine, which is neutral and polar, with serine, which is neutral and polar, at codon 276 of the CHD8 protein (p.Thr276Ser). This variant is not present in population databases (gnomAD no frequency). This variant has not been reported in the literature in individuals affected with CHD8-related conditions. Invitae Evidence Modeling of protein sequence and biophysical properties (such as structural, functional, and spatial information, amino acid conservation, physicochemical variation, residue mobility, and thermodynamic stability) indicates that this missense variant is not expected to disrupt CHD8 protein function with a negative predictive value of 95%. In summary, the available evidence is currently insufficient to determine the role of this variant in disease. Therefore, it has been classified as a Variant of Uncertain Significance.

NM_001170629.2(CHD8):c.827C>G (p.Thr276Ser)

Gene: CHD8 (chromodomain helicase DNA binding protein 8; minus strand). Cytogenetic location: 14q11.2.
Variant type: single nucleotide variant.
Coding change: c.827C>G on transcript NM_001170629.2 (MANE Select); coding-DNA position 827, C replaced by G.
Protein change: p.Thr276Ser; replaces threonine 276 with serine.
Molecular consequence: missense variant. On other transcripts: intron variant (1).
Genome position (GRCh38, 1-based): chr14:21,430,817, G>C on the plus strand (C>G on the coding strand, the complement: CHD8 is on the minus strand). VCF-style: chr14-21430817-G-C. GRCh37 (hg19) VCF-style: chr14-21898976-G-C.
Other names: c.6+994C>G (NM_020920.4); short protein forms T276S.
Identifiers: ClinVar variation 3720337 (VCV003720337.2).